The following is an entry in ClinVar:

NM_032520.5(GNPTG):c.300del (p.Tyr101fs)

Gene: GNPTG (N-acetylglucosamine-1-phosphate transferase subunit gamma; plus strand). Cytogenetic location: 16p13.3.
Variant type: Deletion.
Coding change: c.300del on transcript NM_032520.5 (MANE Select); coding-DNA position 300, one base deleted (C; older notation c.300delC).
Protein change: p.Tyr101fs; shifts the reading frame from tyrosine 101.
Molecular consequence: frameshift variant.
Genome position (GRCh38, 1-based): chr16:1,361,938, C deleted; the last of 2 consecutive C bases (chr16:1,361,937-1,361,938); deleting either gives the same sequence. VCF-style (leftmost placement, unchanged base first): chr16-1361936-GC-G. GRCh37 (hg19) VCF-style: chr16-1411937-GC-G.
Other names: short protein forms Y101fs.
Identifiers: ClinVar variation 2118763 (VCV002118763.4), dbSNP rs2548189596, ClinGen allele CA2580090507.

ClinVar aggregate classification (germline): Pathogenic (1 of 4 stars; one submission).

Submission:

Labcorp Genetics (formerly Invitae), Labcorp
Classification: Pathogenic. Last evaluated: 2022-03-28. Review status: criteria provided, single submitter. Criteria: Invitae Variant Classification Sherloc (09022015). Collection method: clinical testing. Allele origin: germline.
Comment: For these reasons, this variant has been classified as Pathogenic. This variant has not been reported in the literature in individuals affected with GNPTG-related conditions. This variant is not present in population databases (gnomAD no frequency). This sequence change creates a premature translational stop signal (p.Tyr101Thrfs*23) in the GNPTG gene. It is expected to result in an absent or disrupted protein product. Loss-of-function variants in GNPTG are known to be pathogenic (PMID: 19370764, 20301784).

Literature cited by the submitters: PubMed 19370764; PubMed 20301784.